The following is an entry in ClinVar:

ClinVar aggregate classification (germline): Conflicting classifications of pathogenicity. Review status: criteria provided, conflicting classifications (1 of 4 stars). 10 submissions from 10 submitters: Uncertain significance (6); Benign (1); Likely benign (2). 1 of the submissions does not count toward it. Last evaluated 2026-08-31.

Conditions:
Cardiovascular phenotype. Identifiers: MedGen CN230736.
Paroxysmal familial ventricular fibrillation. Also called: Idiopathic ventricular fibrillation, non Brugada type. Identifiers: Orphanet 228140, MedGen C0340493, MONDO:0100234.
Sudden unexplained death. Identifiers: MedGen C0520806.
Brugada syndrome 4 (BRGDA4). Identifiers: Orphanet 130, MedGen C2678477, MONDO:0012743, OMIM 611876.

Allele frequency attached by ClinVar (database versions not stated): 1000 Genomes Project 30x 0.00016; 1000 Genomes Project 0.00020; gnomAD 0.00021 and 0.00022; ESP Exome Variant Server 0.00015; TOPMed 0.00023.
gnomAD v4.1: 248 of 1,613,980 alleles (0.015%); highest among the groups gnomAD compares: African/African-American, 0.036%; no homozygotes.

Submissions (10):

GeneDx
Classification: Uncertain significance. Last evaluated: 2026-08-31. Review status: criteria provided, single submitter. Criteria: GeneDx Variant Classification Process June 2021. Collection method: clinical testing. Allele origin: germline.
Comment: Reported in one individual with idiopathic ventricular fibrillation (PMID: 20817017); In silico analysis supports that this missense variant has a deleterious effect on protein structure/function; Variants in candidate genes are classified as variants of uncertain significance in accordance with ACMG guidelines (PMID: 25741868); This variant is associated with the following publications: (PMID: 25637381, 26707467, 20817017)

Women's Health and Genetics/Laboratory Corporation of America, LabCorp
Classification: Likely benign. Last evaluated: 2026-06-08. Review status: criteria provided, single submitter. Criteria: LabCorp Variant Classification Summary - May 2015. Collection method: clinical testing. Allele origin: germline.
Comment: Variant summary: CACNB2 c.218C>T (p.Ala73Val) results in a non-conservative amino acid change in the encoded protein sequence. Algorithms developed to predict the effect of missense changes on protein structure and function are either unavailable or do not agree on the potential impact of this missense change. The variant allele was found at a frequency of 9.2e-05 in 251320 control chromosomes. The observed variant frequency exceeds the estimated maximal expected allele frequency for disease-causing variants in CACNB2. c.218C>T has been observed in individuals affected with ventricular arrhythmia (e.g. Burashnikov_2010, Kovacs_2023). These reports do not provide unequivocal conclusions about association of the variant with disease. To our knowledge, no experimental evidence demonstrating an impact on protein function has been reported. The following publications have been ascertained in the context of this evaluation (PMID: 20817017, 37579221). ClinVar contains an entry for this variant (Variation ID: 161209). Based on the evidence outlined above, the variant was classified as likely benign.

Labcorp Genetics (formerly Invitae), Labcorp
Classification: Uncertain significance for Brugada syndrome 4. Last evaluated: 2025-12-08. Review status: criteria provided, single submitter. Criteria: Invitae Variant Classification Sherloc (09022015). Collection method: clinical testing. Allele origin: germline.
Comment: This sequence change replaces alanine, which is neutral and non-polar, with valine, which is neutral and non-polar, at codon 73 of the CACNB2 protein (p.Ala73Val). This variant is present in population databases (rs200367454, gnomAD 0.02%). This missense change has been observed in individual(s) with idiopathic ventricular fibrillation (PMID: 20817017). ClinVar contains an entry for this variant (Variation ID: 161209). Invitae Evidence Modeling of protein sequence and biophysical properties (such as structural, functional, and spatial information, amino acid conservation, physicochemical variation, residue mobility, and thermodynamic stability) indicates that this missense variant is not expected to disrupt CACNB2 protein function with a negative predictive value of 80%. In summary, the available evidence is currently insufficient to determine the role of this variant in disease. Therefore, it has been classified as a Variant of Uncertain Significance.

Ambry Genetics
Classification: Likely benign for Cardiovascular phenotype. Last evaluated: 2022-10-07. Review status: criteria provided, single submitter. Criteria: Ambry Variant Classification Scheme 2023. Collection method: clinical testing. Allele origin: germline.

Victorian Clinical Genetics Services, Murdoch Childrens Research Institute
Classification: Uncertain significance for Brugada syndrome 4. Last evaluated: 2020-10-19. Review status: criteria provided, single submitter. Criteria: ACMG Guidelines, 2015. Collection method: clinical testing. Allele origin: germline. Inheritance: Unknown mechanism.
Comment: Based on the classification scheme VCGS_Germline_v1.3.3, this variant is classified as 3C-VUS. Following criteria are met: 0105 - The mechanism of disease for this gene is not clearly established. (I) 0111 - The inheritance pattern for this gene is unknown. Inheritance information not provided by OMIM and ClinGen dispute the association of CACNB2 with Brugada syndrome. (I) 0200 - Variant is predicted to result in a missense amino acid change from alanine to valine. (I) 0251 - This variant is heterozygous. (I) 0302 - Variant is present in gnomAD (v3) <0.001 for a dominant condition (31 heterozygotes, 0 homozygotes). (I) 0309 - Alternative amino acid changes at the same position has been observed in gnomAD (v2 & v3) (1 heterozygote, 0 homozygotes). (I) 0502 - Missense variant with conflicting in silico predictions and uninformative conservation. (I) 0600 - Variant is located in the annotated SH3 domain (PDB). (I) 0705 - No comparable missense variants have previous evidence for pathogenicity. (I) 0808 - Previous reports of pathogenicity for this variant are conflicting. This variant has been reported in a patient with idiopathic ventricular fibrillation (PMID: 20817017), and has also been classified as likely benign (PMID: 25637381). This variant has one benign, one likely benign, and six VUS entries in ClinVar. (I) 0905 - No published segregation evidence has been identified for this variant. (I) 1007 - No published functional evidence has been identified for this variant. (I) 1208 - Inheritance information for this variant is not currently available in this individual. (I) NB: This variant has been reclassified as a VUS with low clinical relevance. It was previously reported as NM_000724.3(CACNB2):c.215C>T; p.(Ala72Val).

Mendelics
Classification: Benign for Brugada syndrome 4. Last evaluated: 2019-05-28. Review status: criteria provided, single submitter. Criteria: Mendelics Assertion Criteria 2017. Collection method: clinical testing. Allele origin: unknown.

Fulgent Genetics
Classification: Uncertain significance for Brugada syndrome 4. Last evaluated: 2018-10-31. Review status: criteria provided, single submitter. Criteria: ACMG Guidelines, 2015. Collection method: clinical testing. Allele origin: unknown.

Agnes Ginges Centre for Molecular Cardiology, Centenary Institute
Classification: Uncertain significance for Sudden unexplained death. Last evaluated: 2018-02-27. Review status: criteria provided, single submitter. Criteria: ACMG Guidelines, 2015. Collection method: research. Allele origin: germline. Inheritance: Autosomal dominant inheritance. Affected: yes.
Comment: CACNB2 Ala72Val has been previously reported in a case of idiopathic VF (Burashnikov E, et al., 2010) but has also been classified as likely benign in a study on the NHLBI exome sequencing project (Amendola LM, et al., 2015). The variant is present in the Genome Aggregation Database (MAF= 0.00009), at an allele frequency which is higher then expected for an arrhythmia syndrome. In silico tools SIFT, PolyPhen-2 and MutationTaster predict this variant to be deleterious. In summary, the variant is seen at an elevated frequency in the general population but in silico tools predict it to be deleterious, therefore we classify CACNB2 Ala72Val as a variant of 'uncertain significance'.

Laboratory for Molecular Medicine, Mass General Brigham Personalized Medicine
Classification: Uncertain significance. Last evaluated: 2017-03-01. Review status: criteria provided, single submitter. Criteria: LMM Criteria. Collection method: clinical testing. Allele origin: germline.
Comment: Variant identified in a genome or exome case(s) and assessed due to predicted null impact of the variant or pathogenic assertions in the literature or databases. Disclaimer: This variant has not undergone full assessment. The following are preliminary notes: HGMD 1 proband with early repolarization syndrome. LB in Amendola 2015. ClinVar 1 star review Ambry VUS, ESP LB

CSER _CC_NCGL, University of Washington
Classification: Likely benign for Ventricular fibrillation, idiopathic. Last evaluated: 2014-06-01. Review status: no assertion criteria provided. Collection method: research. Allele origin: germline. Inheritance: Autosomal dominant inheritance. Study: ESP 6500 variant annotation. Not counted in ClinVar's aggregate classification.
Comment: Variants classified for the Actionable exomic incidental findings in 6503 participants: challenges of variant classification manuscript

Literature cited by the submitters: PubMed 20817017 (cited by 5 submitters); PubMed 37579221 (cited by Women's Health and Genetics/Laboratory Corporation of America, LabCorp); PubMed 25637381 (cited by 3 submitters).

NM_201596.3(CACNB2):c.380C>T (p.Ala127Val)

Gene: CACNB2 (calcium voltage-gated channel auxiliary subunit beta 2; plus strand). Cytogenetic location: 10p12.31.
Variant type: single nucleotide variant.
Coding change: c.380C>T on transcript NM_201596.3 (MANE Select); coding-DNA position 380, C replaced by T.
Protein change: p.Ala127Val; replaces alanine 127 with valine.
Molecular consequence: missense variant.
Genome position (GRCh38, 1-based): chr10:18,498,401, C>T. VCF-style: chr10-18498401-C-T. GRCh37 (hg19) VCF-style: chr10-18787330-C-T.
Other names: c.215C>T, p.Ala72Val (NM_000724.4, NM_001330060.2); c.296C>T, p.Ala99Val (NM_001167945.2, NM_201571.4, NM_201572.4); c.236C>T, p.Ala79Val (NM_201570.3); c.218C>T, p.Ala73Val (NM_201590.3); c.380C>T, p.Ala127Val (NM_201593.3, NM_201597.3); short protein forms A127V, A72V, A73V, A99V, A79V.
Identifiers: ClinVar variation 161209 (VCV000161209.22), dbSNP rs200367454, ClinGen allele CA211389.